The following is an entry in ClinVar:

NM_014727.3(KMT2B):c.3791A>C (p.His1264Pro)

Gene: KMT2B (lysine methyltransferase 2B; plus strand). Cytogenetic location: 19q13.12.
Variant type: single nucleotide variant.
Coding change: c.3791A>C on transcript NM_014727.3 (MANE Select); coding-DNA position 3791, A replaced by C.
Protein change: p.His1264Pro; replaces histidine 1264 with proline.
Molecular consequence: missense variant.
Genome position (GRCh38, 1-based): chr19:35,725,724, A>C. VCF-style: chr19-35725724-A-C. GRCh37 (hg19) VCF-style: chr19-36216625-A-C.
Other names: short protein forms H1264P.
Identifiers: ClinVar variation 3115987 (VCV003115987.3), dbSNP rs747950485, ClinGen allele CA405410730.

ClinVar aggregate classification (germline): Uncertain significance. Review status: criteria provided, multiple submitters, no conflicts (2 of 4 stars). 2 submissions from 2 submitters: Uncertain significance (2). Last evaluated 2024-11-06.

Conditions:
Inborn genetic diseases. Identifiers: MedGen C0950123, MeSH D030342.

Submissions (2):

Labcorp Genetics (formerly Invitae), Labcorp
Classification: Uncertain significance. Last evaluated: 2024-11-06. Review status: criteria provided, single submitter. Criteria: Invitae Variant Classification Sherloc (09022015). Collection method: clinical testing. Allele origin: germline.
Comment: This sequence change replaces histidine, which is basic and polar, with proline, which is neutral and non-polar, at codon 1264 of the KMT2B protein (p.His1264Pro). This variant is present in population databases (no rsID available, gnomAD 0.007%). This variant has not been reported in the literature in individuals affected with KMT2B-related conditions. ClinVar contains an entry for this variant (Variation ID: 3115987). Experimental studies and prediction algorithms are not available or were not evaluated, and the functional significance of this variant is currently unknown. In summary, the available evidence is currently insufficient to determine the role of this variant in disease. Therefore, it has been classified as a Variant of Uncertain Significance.

Ambry Genetics
Classification: Uncertain significance for Inborn genetic diseases. Last evaluated: 2024-01-03. Review status: criteria provided, single submitter. Criteria: Ambry Variant Classification Scheme 2023. Collection method: clinical testing. Allele origin: germline.